The following is an entry in ClinVar:

ClinVar aggregate classification (germline): Uncertain significance (1 of 4 stars; one submission).

Conditions:
Inborn genetic diseases. Identifiers: MedGen C0950123, MeSH D030342.

gnomAD v4.1: 3 of 1,566,940 alleles (0.00019%); highest among the groups gnomAD compares: African/African-American, 0.0013%; no homozygotes.

Submission:

Ambry Genetics
Classification: Uncertain significance for Inborn genetic diseases. Last evaluated: 2025-12-24. Review status: criteria provided, single submitter. Criteria: Ambry Variant Classification Scheme 2023. Collection method: clinical testing. Allele origin: germline.
Comment: The c.4208C>T (p.S1403L) alteration is located in exon 6 (coding exon 1) of the AHDC1 gene. This alteration results from a C to T substitution at nucleotide position 4208, causing the serine (S) at amino acid position 1403 to be replaced by a leucine (L). Based on data from gnomAD, the T allele has an overall frequency of 0.003% (1/31356) total alleles studied. The highest observed frequency was 0.012% (1/8694) of African alleles. Based on insufficient or conflicting evidence, the clinical significance of this alteration remains unclear.

NM_001371928.1(AHDC1):c.4208C>T (p.Ser1403Leu)

Gene: AHDC1 (AT-hook DNA binding motif containing 1; minus strand). Cytogenetic location: 1p36.11.
Variant type: single nucleotide variant.
Coding change: c.4208C>T on transcript NM_001371928.1 (MANE Select); coding-DNA position 4208, C replaced by T.
Protein change: p.Ser1403Leu; replaces serine 1403 with leucine.
Molecular consequence: missense variant.
Genome position (GRCh38, 1-based): chr1:27,547,908, G>A on the plus strand (C>T on the coding strand, the complement: AHDC1 is on the minus strand). VCF-style: chr1-27547908-G-A. GRCh37 (hg19) VCF-style: chr1-27874419-G-A.
Other names: c.4208C>T, p.Ser1403Leu (NM_001029882.3); short protein forms S1403L.
Identifiers: ClinVar variation 4838548 (VCV004838548.1).